The following is an entry in ClinVar:

ClinVar aggregate classification (germline): Uncertain significance. Review status: criteria provided, multiple submitters, no conflicts (2 of 4 stars). 2 submissions from 2 submitters: Uncertain significance (2). Last evaluated 2025-10-29.

Conditions:
Cardiovascular phenotype. Identifiers: MedGen CN230736.
Dilated cardiomyopathy 1W (CMD1W). Identifiers: Orphanet 154, MedGen C1969639, MONDO:0012667, OMIM 611407.

Allele frequency attached by ClinVar (database versions not stated): gnomAD exomes below 0.00001 and 0.00002; ExAC 0.00002; gnomAD 0.00003 and 0.00004; TOPMed 0.00004.
gnomAD v4.1: 7 of 1,614,108 alleles (0.00043%); highest among the groups gnomAD compares: African/African-American, 0.0067%; no homozygotes.

Submissions (2):

Labcorp Genetics (formerly Invitae), Labcorp
Classification: Uncertain significance for Dilated cardiomyopathy 1W. Last evaluated: 2025-10-29. Review status: criteria provided, single submitter. Criteria: Invitae Variant Classification Sherloc (09022015). Collection method: clinical testing. Allele origin: germline.
Comment: This sequence change replaces asparagine, which is neutral and polar, with aspartic acid, which is acidic and polar, at codon 963 of the VCL protein (p.Asn963Asp). This variant is present in population databases (rs777702397, gnomAD 0.02%). This variant has not been reported in the literature in individuals affected with VCL-related conditions. ClinVar contains an entry for this variant (Variation ID: 468819). An algorithm developed to predict the effect of missense changes on protein structure and function (PolyPhen-2) suggests that this variant is likely to be tolerated. In summary, the available evidence is currently insufficient to determine the role of this variant in disease. Therefore, it has been classified as a Variant of Uncertain Significance.

Ambry Genetics
Classification: Uncertain significance for Cardiovascular phenotype. Last evaluated: 2023-01-13. Review status: criteria provided, single submitter. Criteria: Ambry Variant Classification Scheme 2023. Collection method: clinical testing. Allele origin: germline.
Comment: The p.N963D variant (also known as c.2887A>G), located in coding exon 19 of the VCL gene, results from an A to G substitution at nucleotide position 2887. The asparagine at codon 963 is replaced by aspartic acid, an amino acid with highly similar properties. This amino acid position is highly conserved in available vertebrate species. In addition, this alteration is predicted to be tolerated by in silico analysis. Since supporting evidence is limited at this time, the clinical significance of this alteration remains unclear.

NM_014000.3(VCL):c.2887A>G (p.Asn963Asp)

Gene: VCL (vinculin; plus strand). Cytogenetic location: 10q22.2.
Variant type: single nucleotide variant.
Coding change: c.2887A>G on transcript NM_014000.3 (MANE Select); coding-DNA position 2887, A replaced by G.
Protein change: p.Asn963Asp; replaces asparagine 963 with aspartic acid.
Molecular consequence: missense variant. On other transcripts: intron variant (1).
Genome position (GRCh38, 1-based): chr10:74,112,050, A>G. VCF-style: chr10-74112050-A-G. GRCh37 (hg19) VCF-style: chr10-75871808-A-G.
Other names: c.2746-2134A>G (NM_003373.4); short protein forms N963D.
Identifiers: ClinVar variation 468819 (VCV000468819.11), dbSNP rs777702397, ClinGen allele CA5563334.
Genomic context (GRCh38, chr10:74,112,050, plus strand): 5'-CCTGACATGGAAGACGATTACGAACCTGAGCTGCTGTTAATGCCATCCAATCAGCCGGTC[A>G]ACCAGCCCATTCTGGCCGCGGCTCAGTCCTTGCATCGGGAAGCTACCAAGTGGTCTAGTA-3'
Protein context (NP_054706.1, residues 953-973): LLLMPSNQPV[Asn963Asp]QPILAAAQSL